The following is an entry in ClinVar:

ClinVar aggregate classification (germline): Uncertain significance (1 of 4 stars; one submission).

Conditions:
Pheochromocytoma. Also called: MAX-Related Hereditary Paraganglioma-Pheochromocytoma Syndrome. Identifiers: Orphanet 29072, MedGen C0031511, MONDO:0008233, OMIM 171300, HP:0002666.
Gastrointestinal stromal tumor. Also called: Gastrointestinal stromal tumor, somatic; Gastrointestinal stroma tumor. Identifiers: Orphanet 44890, MedGen C0238198, MeSH D046152, MONDO:0011719, OMIM 606764, HP:0100723.
Pheochromocytoma/paraganglioma syndrome 4. Also called: CAROTID BODY TUMORS AND MULTIPLE EXTRAADRENAL PHEOCHROMOCYTOMAS; PARAGANGLIOMA, FAMILIAL MALIGNANT; PARAGANGLIOMAS, HEREDITARY EXTRAADRENAL; PHEOCHROMOCYTOMA, FAMILIAL EXTRAADRENAL; Paragangliomas 4; SDHB-Related Hereditary Paraganglioma-Pheochromocytoma Syndrome (Paragangliomas 4). Identifiers: Orphanet 29072, MedGen C1861848, MONDO:0007273, OMIM 115310.

Submission:

Labcorp Genetics (formerly Invitae), Labcorp
Classification: Uncertain significance for Gastrointestinal stromal tumor; Pheochromocytoma/paraganglioma syndrome 4; Pheochromocytoma. Last evaluated: 2024-07-30. Review status: criteria provided, single submitter. Criteria: Invitae Variant Classification Sherloc (09022015). Collection method: clinical testing. Allele origin: germline.
Comment: This sequence change replaces arginine, which is basic and polar, with isoleucine, which is neutral and non-polar, at codon 94 of the SDHB protein (p.Arg94Ile). This variant is not present in population databases (gnomAD no frequency). This missense change has been observed in individual(s) with paraganglioma (Invitae). Advanced modeling of protein sequence and biophysical properties (such as structural, functional, and spatial information, amino acid conservation, physicochemical variation, residue mobility, and thermodynamic stability) performed at Invitae indicates that this missense variant is expected to disrupt SDHB protein function with a positive predictive value of 80%. This variant disrupts the p.Arg94Ile amino acid residue in SDHB. Other variant(s) that disrupt this residue have been observed in individuals with SDHB-related conditions (PMID: 16405730; Invitae), which suggests that this may be a clinically significant amino acid residue. In summary, the available evidence is currently insufficient to determine the role of this variant in disease. Therefore, it has been classified as a Variant of Uncertain Significance.

Literature cited by the submitters: PubMed 16405730.

NM_003000.3(SDHB):c.281G>T (p.Arg94Ile)

Gene: SDHB (succinate dehydrogenase complex iron sulfur subunit B; minus strand). Cytogenetic location: 1p36.13.
Variant type: single nucleotide variant.
Coding change: c.281G>T on transcript NM_003000.3 (MANE Select); coding-DNA position 281, G replaced by T.
Protein change: p.Arg94Ile; replaces arginine 94 with isoleucine.
Molecular consequence: missense variant.
Genome position (GRCh38, 1-based): chr1:17,033,065, C>A on the plus strand (G>T on the coding strand, the complement: SDHB is on the minus strand). VCF-style: chr1-17033065-C-A. GRCh37 (hg19) VCF-style: chr1-17359560-C-A.
Other names: c.281G>T, p.Arg94Ile (NM_001407361.1); short protein forms R94I.
Identifiers: ClinVar variation 2947049 (VCV002947049.3), dbSNP rs2525031355, ClinGen allele CA338276401.